The following is an entry in ClinVar:

ClinVar aggregate classification (germline): Uncertain significance (1 of 4 stars; one submission).

Submission:

Labcorp Genetics (formerly Invitae), Labcorp
Classification: Uncertain significance. Last evaluated: 2025-01-23. Review status: criteria provided, single submitter. Criteria: Invitae Variant Classification Sherloc (09022015). Collection method: clinical testing. Allele origin: germline.
Comment: This sequence change replaces arginine, which is basic and polar, with methionine, which is neutral and non-polar, at codon 2740 of the DCHS1 protein (p.Arg2740Met). This variant is not present in population databases (gnomAD no frequency). This variant has not been reported in the literature in individuals affected with DCHS1-related conditions. Invitae Evidence Modeling of protein sequence and biophysical properties (such as structural, functional, and spatial information, amino acid conservation, physicochemical variation, residue mobility, and thermodynamic stability) indicates that this missense variant is not expected to disrupt DCHS1 protein function with a negative predictive value of 80%. In summary, the available evidence is currently insufficient to determine the role of this variant in disease. Therefore, it has been classified as a Variant of Uncertain Significance.

NM_003737.4(DCHS1):c.8219G>T (p.Arg2740Met)

Gene: DCHS1 (dachsous cadherin-related 1; minus strand). Cytogenetic location: 11p15.4.
Variant type: single nucleotide variant.
Coding change: c.8219G>T on transcript NM_003737.4 (MANE Select); coding-DNA position 8219, G replaced by T.
Protein change: p.Arg2740Met; replaces arginine 2740 with methionine.
Molecular consequence: missense variant.
Genome position (GRCh38, 1-based): chr11:6,623,457, C>A on the plus strand (G>T on the coding strand, the complement: DCHS1 is on the minus strand). VCF-style: chr11-6623457-C-A. GRCh37 (hg19) VCF-style: chr11-6644688-C-A.
Other names: short protein forms R2740M.
Identifiers: ClinVar variation 3666962 (VCV003666962.2).